The following is an entry in ClinVar:

ClinVar aggregate classification (germline): Uncertain significance. Review status: criteria provided, single submitter (1 of 4 stars). 2 submissions from 2 submitters: Uncertain significance (1). 1 of the submissions does not count toward it. Last evaluated 2023-03-10.

Conditions:
EP300-related disorder. Also called: EP300-related disorders; EP300-related condition.
Rubinstein-Taybi syndrome due to EP300 haploinsufficiency. Also called: EP300-Related Rubinstein-Taybi Syndrome; RUBINSTEIN-TAYBI SYNDROME 2. Identifiers: Orphanet 353284, Orphanet 783, MedGen C3150941, MONDO:0013364, OMIM 613684.

Submissions (2):

PreventionGenetics, part of Exact Sciences
Classification: Uncertain significance for EP300-related condition. Last evaluated: 2023-03-10. Review status: criteria provided, single submitter. Criteria: ACMG Guidelines, 2015. Collection method: clinical testing. Allele origin: germline.
Comment: The EP300 c.6607C>G variant is predicted to result in the amino acid substitution p.Pro2203Ala. This variant was reported as a variant of uncertain significance in an individual with Rubinstein-Taybi syndrome (Cross et al. 2020. PubMed ID: 32827181). This variant has not been reported in a large population database, indicating this variant is rare. At this time, the clinical significance of this variant is uncertain due to the absence of conclusive functional and genetic evidence.

Wessex Regional Genetics Laboratory, Salisbury District Hospital
Classification: Uncertain significance for Rubinstein-Taybi syndrome due to EP300 haploinsufficiency. Last evaluated: 2019-11-05. Review status: no assertion criteria provided. Criteria: ACMG Guidelines, 2015. Collection method: clinical testing. Allele origin: unknown. Inheritance: Autosomal dominant inheritance. Affected: yes. Not counted in ClinVar's aggregate classification.

NM_001429.4(EP300):c.6607C>G (p.Pro2203Ala)

Gene: EP300 (EP300 lysine acetyltransferase; plus strand). Cytogenetic location: 22q13.2.
Variant type: single nucleotide variant.
Coding change: c.6607C>G on transcript NM_001429.4 (MANE Select); coding-DNA position 6607, C replaced by G.
Protein change: p.Pro2203Ala; replaces proline 2203 with alanine.
Molecular consequence: missense variant.
Genome position (GRCh38, 1-based): chr22:41,178,318, C>G. VCF-style: chr22-41178318-C-G. GRCh37 (hg19) VCF-style: chr22-41574322-C-G.
Other names: c.6529C>G, p.Pro2177Ala (NM_001362843.2); short protein forms P2177A, P2203A.
Identifiers: ClinVar variation 827630 (VCV000827630.2), dbSNP rs1358846937, ClinGen allele CA411682343.
Genomic context (GRCh38, chr22:41,178,318, plus strand): 5'-TTGAGACGACAGCAAATGATGCAACAGCAGCAGCAACAGGGAGCAGGGCCAGGAATAGGC[C>G]CTGGAATGGCCAACCATAACCAGTTCCAGCAACCCCAAGGAGTTGGCTACCCACCACAGC-3'
Protein context (NP_001420.2, residues 2193-2213): QQQGAGPGIG[Pro2203Ala]GMANHNQFQQ